The following is an entry in ClinVar:

NM_182746.3(MCM4):c.2447C>G (p.Pro816Arg)

Gene: MCM4 (minichromosome maintenance complex component 4; plus strand). Cytogenetic location: 8q11.21.
Variant type: single nucleotide variant.
Coding change: c.2447C>G on transcript NM_182746.3 (MANE Select); coding-DNA position 2447, C replaced by G.
Protein change: p.Pro816Arg; replaces proline 816 with arginine.
Molecular consequence: missense variant.
Genome position (GRCh38, 1-based): chr8:47,975,796, C>G. VCF-style: chr8-47975796-C-G. GRCh37 (hg19) VCF-style: chr8-48888356-C-G.
Other names: c.2447C>G, p.Pro816Arg (NM_005914.4); c.2447C>G (NM_005914.3); short protein forms P816R.
Identifiers: ClinVar variation 1436632 (VCV001436632.7), dbSNP rs562830599, ClinGen allele CA4742915.
Genomic context (GRCh38, chr8:47,975,796, plus strand): 5'-AACGGAAAGAAGAATTAGCTGAAGCATTGAAAAAGCTTATTTTATCTAAGGGCAAAACAC[C>G]AGCTCTAAAATACCAGCAACTTTTTGAAGATATTCGGGGACAATCTGACATAGTAAGTGT-3'
Protein context (NP_877423.1, residues 806-826): KKLILSKGKT[Pro816Arg]ALKYQQLFED

ClinVar aggregate classification (germline): Uncertain significance. Review status: criteria provided, multiple submitters, no conflicts (2 of 4 stars). 2 submissions from 2 submitters: Uncertain significance (2). Last evaluated 2026-01-26.

Allele frequency attached by ClinVar (database versions not stated): gnomAD exomes 0.00003 and 0.00011; gnomAD 0.00005; TOPMed 0.00008; ExAC 0.00009; 1000 Genomes Project 30x 0.00016; 1000 Genomes Project 0.00020.
gnomAD v4.1: 49 of 1,586,560 alleles (0.0031%); highest among the groups gnomAD compares: Admixed American, 0.064%; no homozygotes.

Submissions (2):

Labcorp Genetics (formerly Invitae), Labcorp
Classification: Uncertain significance. Last evaluated: 2026-01-26. Review status: criteria provided, single submitter. Criteria: Invitae Variant Classification Sherloc (09022015). Collection method: clinical testing. Allele origin: germline.
Comment: This sequence change replaces proline, which is neutral and non-polar, with arginine, which is basic and polar, at codon 816 of the MCM4 protein (p.Pro816Arg). This variant is present in population databases (rs562830599, gnomAD 0.06%). This variant has not been reported in the literature in individuals affected with MCM4-related conditions. ClinVar contains an entry for this variant (Variation ID: 1436632). Invitae Evidence Modeling of protein sequence and biophysical properties (such as structural, functional, and spatial information, amino acid conservation, physicochemical variation, residue mobility, and thermodynamic stability) indicates that this missense variant is not expected to disrupt MCM4 protein function with a negative predictive value of 80%. In summary, the available evidence is currently insufficient to determine the role of this variant in disease. Therefore, it has been classified as a Variant of Uncertain Significance.

Ambry Genetics
Classification: Uncertain significance. Last evaluated: 2024-03-25. Review status: criteria provided, single submitter. Criteria: Ambry Variant Classification Scheme 2023. Collection method: clinical testing. Allele origin: germline.